The following is an entry in ClinVar:

ClinVar aggregate classification (germline): Pathogenic (1 of 4 stars; one submission).

Conditions:
Maple syrup urine disease type 1B (MSUD1B). Also called: MSUD type IB; MSUD type 3 (formerly); MSUD due to deficiency of e1-beta subunit of branched-chain alpha-keto acid dehydrogenase complex. Identifiers: MedGen C2930990, MONDO:0023692, OMIM 620698.

Submission:

Myriad Genetics, Inc.
Classification: Pathogenic for Maple syrup urine disease type 1B. Last evaluated: 2025-05-27. Review status: criteria provided, single submitter. Criteria: Myriad Autosomal Dominant, Autosomal Recessive and X-Linked Classification Criteria (2023). Collection method: clinical testing. Allele origin: unknown.
Comment: NM_183050.2(BCKDHB):c.693dupT(K232*) is a nonsense variant classified as pathogenic in the context of maple syrup urine disease type Ib. K232* has not been observed in cases with relevant disease. Relevant functional assessments of this variant are not available in the literature. K232* has not been observed in referenced population frequency databases. In summary, NM_183050.2(BCKDHB):c.693dupT(K232*) is a nonsense variant in a gene where loss of function is a known mechanism of disease and is predicted to disrupt protein function. Please note: this variant was assessed in the context of healthy population screening.

NM_183050.4(BCKDHB):c.693dup (p.Lys232Ter)

Gene: BCKDHB (branched chain keto acid dehydrogenase E1 subunit beta; plus strand). Cytogenetic location: 6q14.1.
Variant type: Duplication.
Coding change: c.693dup on transcript NM_183050.4 (MANE Select); coding-DNA position 693, one base duplicated (T; older notation c.693dupT).
Protein change: p.Lys232Ter; replaces lysine 232 with a stop codon.
Molecular consequence: nonsense. On other transcripts: non-coding transcript variant (4).
Genome position (GRCh38, 1-based): chr6:80,171,341, T duplicated. VCF-style (leftmost placement, unchanged base first): chr6-80171340-A-AT. GRCh37 (hg19) VCF-style: chr6-80881057-A-AT.
Other names: c.483dup, p.Lys162Ter (NM_001318975.1, NM_001424043.1); c.693dup, p.Lys232Ter (NM_001424035.1, NM_001424036.1, NM_001424037.1 and 7 more transcripts); short protein forms K162*, K232*.
Identifiers: ClinVar variation 4081599 (VCV004081599.1).
Genomic context (GRCh38, chr6:80,171,340, plus strand): 5'-AGGTGGTTATACCCAGAAGCCCTTTCCAGGCCAAAGGACTTCTTTTGTCATGCATAGAGG[A>AT]TAAAAATCCTTGTATATTTTTTGAACCTAAAATACTTTACAGGGCAGCAGGTAAAGATTT-3'